The following is an entry in ClinVar:

ClinVar aggregate classification (germline): Likely benign. Review status: criteria provided, multiple submitters, no conflicts (2 of 4 stars). 3 submissions from 3 submitters: Likely benign (3). Last evaluated 2022-12-19.

Conditions:
Epilepsy, familial focal, with variable foci 3 (FFEVF3). Identifiers: MedGen C4310708, MONDO:0014925, OMIM 617118.

Allele frequency attached by ClinVar (database versions not stated): gnomAD 0.00001; gnomAD exomes 0.00001 and 0.00002; TOPMed 0.00002; ExAC 0.00003.
gnomAD v4.1: 33 of 1,605,194 alleles (0.0021%); highest among the groups gnomAD compares: Middle Eastern, 0.017%; no homozygotes.

Submissions (3):

Labcorp Genetics (formerly Invitae), Labcorp
Classification: Likely benign for Epilepsy, familial focal, with variable foci 3. Last evaluated: 2022-12-19. Review status: criteria provided, single submitter. Criteria: Invitae Variant Classification Sherloc (09022015). Collection method: clinical testing. Allele origin: germline.

CeGaT Center for Human Genetics Tuebingen
Classification: Likely benign. Last evaluated: 2022-04-01. Review status: criteria provided, single submitter. Criteria: CeGaT Center For Human Genetics Tuebingen Variant Classification Criteria Version 2. Collection method: clinical testing. Allele origin: germline. Affected: yes. Observed: 1 variant allele.
Comment: NPRL3: BP4, BP7

GeneDx
Classification: Likely benign. Last evaluated: 2019-05-28. Review status: criteria provided, single submitter. Criteria: GeneDx Variant Classification Process June 2021. Collection method: clinical testing. Allele origin: germline. Affected: yes.

NM_001077350.3(NPRL3):c.411A>G (p.Ser137=)

Genes: HBA-LCR (alpha-globin locus control region; plus strand), NPRL3 (NPR3 like, GATOR1 complex subunit; minus strand). Cytogenetic location: 16p13.3.
Variant type: single nucleotide variant.
Coding change: c.411A>G on transcript NM_001077350.3 (MANE Select); coding-DNA position 411, A replaced by G.
Protein change: p.Ser137=; no amino-acid change (serine 137 retained).
Molecular consequence: synonymous variant. On other transcripts: 5 prime UTR variant (1).
Genome position (GRCh38, 1-based): chr16:112,758, T>C on the plus strand (A>G on the coding strand, the complement: NPRL3 is on the minus strand). VCF-style: chr16-112758-T-C. GRCh37 (hg19) VCF-style: chr16-162757-T-C.
Other names: c.-127A>G (NM_001039476.3); c.177A>G, p.Ser59= (NM_001243247.2); c.336A>G, p.Ser112= (NM_001243248.2, NM_001243249.2).
Identifiers: ClinVar variation 1093364 (VCV001093364.41), dbSNP rs752160458, ClinGen allele CA7769665.